The following is an entry in ClinVar:

NM_001042492.3(NF1):c.6929C>T (p.Pro2310Leu)

Gene: NF1 (neurofibromin 1; plus strand). Cytogenetic location: 17q11.2.
Variant type: single nucleotide variant.
Coding change: c.6929C>T on transcript NM_001042492.3 (MANE Select); coding-DNA position 6929, C replaced by T.
Protein change: p.Pro2310Leu; replaces proline 2310 with leucine.
Molecular consequence: missense variant.
Genome position (GRCh38, 1-based): chr17:31,340,512, C>T. VCF-style: chr17-31340512-C-T. GRCh37 (hg19) VCF-style: chr17-29667530-C-T.
Other names: c.6866C>T, p.Pro2289Leu (NM_000267.4); short protein forms P2289L, P2310L.
Identifiers: ClinVar variation 41675 (VCV000041675.70), dbSNP rs148736217, ClinGen allele CA164285.

ClinVar aggregate classification (germline): Conflicting classifications of pathogenicity. Review status: criteria provided, conflicting classifications (1 of 4 stars). 18 submissions from 14 submitters: Uncertain significance (6); Benign (4); Likely benign (6). 2 of the submissions do not count toward it. Last evaluated 2026-07-16.

Conditions:
Neurofibromatosis, type 1 (NF1). Also called: Neurofibromatosis, type I; NEUROFIBROMATOSIS, TYPE I, SOMATIC; Peripheral type neurofibromatosis; VON RECKLINGHAUSEN DISEASE. Identifiers: Orphanet 636, MedGen C0027831, MONDO:0018975, OMIM 162200. Disease mechanism: loss of function.
NF1-related disorder. Also called: NF1-related condition. Identifiers: MedGen CN379171.
Hereditary cancer-predisposing syndrome. Also called: Hereditary Cancer Syndrome; Neoplastic Syndromes, Hereditary; Hereditary neoplastic syndrome; Tumor predisposition. Identifiers: Orphanet 140162, MedGen C0027672, MeSH D009386, MONDO:0015356.
Cardiovascular phenotype. Identifiers: MedGen CN230736.
Neurofibromatosis-Noonan syndrome (NFNS). Also called: NEUROFIBROMATOSIS WITH NOONAN PHENOTYPE. Identifiers: Orphanet 638, MedGen C2931482, MONDO:0011035, OMIM 601321. Disease mechanism: loss of function.
Café-au-lait macules with pulmonary stenosis (WTSN). Also called: PULMONIC STENOSIS WITH CAFE-AU-LAIT SPOTS. Identifiers: MedGen C0553586, MONDO:0008672, OMIM 193520.
Neurofibromatosis, familial spinal (FSNF). Identifiers: Orphanet 636, MedGen C1834235, MONDO:0008078, OMIM 162210. Disease mechanism: loss of function.

Allele frequency attached by ClinVar (database versions not stated): TOPMed 0.00019; ESP Exome Variant Server 0.00008; gnomAD exomes 0.00011 and 0.00025; gnomAD 0.00015; ExAC 0.00021.
gnomAD v4.1: 194 of 1,614,084 alleles (0.012%); highest among the groups gnomAD compares: Admixed American, 0.012%; no homozygotes.

Submissions (18):

Hema, HEMA – Genetic and Molecular Diagnostic Laboratory
Classification: Uncertain significance for Neurofibromatosis, type 1. Last evaluated: 2026-07-16. Review status: criteria provided, single submitter. Criteria: HEMA Variant Classification Assertion Criteria. Collection method: clinical testing. Allele origin: germline.
Comment: The c.6929C>T p.(Pro2310Leu) variant is a transition from cytosine to thymine, resulting in the substitution of proline 2310 with leucine in the NF1 protein. BS1: The allelic frequency of the variant in gnomAD v4.1.1 is higher than expected for a variant associated with neurofibromatosis type 1. PP2: Missense variant in a gene depleted of missense variation. The missense Z-Score of gnomAD v2.1.1 is equal to 6.54 ≥ 3.09.

Dasa
Classification: Uncertain significance. Last evaluated: 2026-02-06. Review status: criteria provided, single submitter. Criteria: DASA Assertion Criteria. Collection method: clinical testing. Allele origin: germline.
Comment: NM_001042492.3(NF1):c.6929C>T (p.Pro2310Leu) is a missense variant that results in the substitution of proline with leucine. This classification is supported by population frequency inconsistent with a disease-causing role. The currently available literature and clinical evidence are not sufficient to establish a definitive association between this variant and the reported condition. Therefore, this variant is classified as a variant of uncertain significance.

Labcorp Genetics (formerly Invitae), Labcorp
Classification: Benign for Neurofibromatosis, type 1. Last evaluated: 2026-02-02. Review status: criteria provided, single submitter. Criteria: Invitae Variant Classification Sherloc (09022015). Collection method: clinical testing. Allele origin: germline.

CeGaT Center for Human Genetics Tuebingen
Classification: Likely benign. Last evaluated: 2025-11-01. Review status: criteria provided, single submitter. Criteria: CeGaT Center For Human Genetics Tuebingen Variant Classification Criteria Version 2. Collection method: clinical testing. Allele origin: germline. Affected: yes. Observed: 2 variant alleles.
Comment: NF1: PP2, BS1

Blueprint Genetics
Classification: Likely benign. Last evaluated: 2024-11-18. Review status: criteria provided, single submitter. Criteria: ACMG Guidelines, 2015. Collection method: clinical testing. Allele origin: germline.

Women's Health and Genetics/Laboratory Corporation of America, LabCorp
Classification: Benign. Last evaluated: 2021-11-30. Review status: criteria provided, single submitter. Criteria: LabCorp Variant Classification Summary - May 2015. Collection method: clinical testing. Allele origin: germline.
Comment: Variant summary: NF1 c.6866C>T (p.Pro2289Leu) results in a conservative amino acid change in the encoded protein sequence. Three of five in-silico tools predict a damaging effect of the variant on protein function. The variant allele was found at a frequency of 0.00025 in 251474 control chromosomes, predominantly at a frequency of 0.0052 within the Ashkenazi Jewish subpopulation in the gnomAD database. The observed variant frequency within Ashkenazi Jewish control individuals in the gnomAD database is approximately 25 fold of the estimated maximal expected allele frequency for a pathogenic variant in NF1 causing Neurofibromatosis Type 1 phenotype (0.00021), strongly suggesting that the variant is a benign polymorphism found primarily in populations of Ashkenazi Jewish origin. c.6866C>T has been reported in the literature in individuals affected with various cancers (Jones_2015, Johnston_2012, Chitalia_2019), however these reports do not provide unequivocal conclusions about association of the variant with Neurofibromatosis Type 1 or other cancers. To our knowledge, no experimental evidence demonstrating an impact on protein function has been reported. Six ClinVar submitters have assessed this variant after 2014: Four have classified this variant as likely benign/benign, and two as uncertain significance. Based on the evidence outlined above, the variant was classified as benign.

Sema4
Classification: Likely benign for Hereditary cancer-predisposing syndrome. Last evaluated: 2021-02-06. Review status: criteria provided, single submitter. Criteria: Sema4 Curation Guidelines. Collection method: curation. Allele origin: germline.

Genetic Services Laboratory, University of Chicago
Classification: Likely benign. Last evaluated: 2020-08-19. Review status: criteria provided, single submitter. Criteria: ACMG Guidelines, 2015. Collection method: clinical testing. Allele origin: germline. Affected: no.

GeneDx
Classification: Benign. Last evaluated: 2019-09-26. Review status: criteria provided, single submitter. Criteria: GeneDx Variant Classification Process June 2021. Collection method: clinical testing. Allele origin: germline. Affected: yes.
Comment: This variant is associated with the following publications: (PMID: 29089047, 22703879, 28873162)

Ambry Genetics
Classification: Likely benign for Cardiovascular phenotype; Hereditary cancer-predisposing syndrome. Last evaluated: 2018-10-12. Review status: criteria provided, single submitter. Criteria: Ambry Variant Classification Scheme 2023. Collection method: clinical testing. Allele origin: germline.

Illumina Laboratory Services, Illumina
Classification: Uncertain significance for Café-au-lait macules with pulmonary stenosis. Last evaluated: 2018-01-15. Review status: criteria provided, single submitter. Criteria: ICSL Variant Classification Criteria 13 December 2019. Collection method: clinical testing. Allele origin: germline.

Illumina Laboratory Services, Illumina
Classification: Uncertain significance for Neurofibromatosis, familial spinal. Last evaluated: 2018-01-15. Review status: criteria provided, single submitter. Criteria: ICSL Variant Classification Criteria 13 December 2019. Collection method: clinical testing. Allele origin: germline.

Illumina Laboratory Services, Illumina
Classification: Uncertain significance for Neurofibromatosis, type 1. Last evaluated: 2018-01-15. Review status: criteria provided, single submitter. Criteria: ICSL Variant Classification Criteria 13 December 2019. Collection method: clinical testing. Allele origin: germline.

Illumina Laboratory Services, Illumina
Classification: Uncertain significance for Neurofibromatosis-Noonan syndrome. Last evaluated: 2018-01-15. Review status: criteria provided, single submitter. Criteria: ICSL Variant Classification Criteria 13 December 2019. Collection method: clinical testing. Allele origin: germline.

Laboratory for Molecular Medicine, Mass General Brigham Personalized Medicine
Classification: Benign. Last evaluated: 2017-10-10. Review status: criteria provided, single submitter. Criteria: LMM Criteria. Collection method: clinical testing. Allele origin: germline. Observed: 2 variant alleles.
Comment: p.Pro2310Leu in exon 47 of NF1: This variant is not expected to have clinical si gnificance because it has been identified in 0.5% (52/10152) of Ashkenazi Jewish chromosomes by the Genome Aggregation Database (gnomAD; dbSNP rs148736217). ACMG/AMP Criteria applied: BA1 (Richards 2015).

Ambry Genetics
Classification: Likely benign for Hereditary cancer-predisposing syndrome. Last evaluated: 2016-01-19. Review status: criteria provided, single submitter. Criteria: Ambry Autosomal Dominant and X-Linked criteria (10/2015). Collection method: clinical testing. Allele origin: germline. Observed: 1 variant allele.
Comment: Insufficient or conflicting evidence;Other data supporting benign classification

PreventionGenetics, part of Exact Sciences
Classification: Likely benign for NF1-related condition. Last evaluated: 2020-01-31. Review status: no assertion criteria provided. Collection method: clinical testing. Allele origin: germline. Not counted in ClinVar's aggregate classification.
Comment: This variant is classified as likely benign based on ACMG/AMP sequence variant interpretation guidelines (Richards et al. 2015 PMID: 25741868, with internal and published modifications).

Biesecker Lab/Clinical Genomics Section, National Institutes of Health
Classification: Uncertain significance. Last evaluated: 2012-07-13. Review status: no assertion criteria provided. Collection method: research. Allele origin: germline. Affected: no. Observed: 1 variant allele. Study: ClinSeq. Not counted in ClinVar's aggregate classification.
ClinVar note: Converted during submission from variant of unknown significance to Uncertain significance.

Literature cited by the submitters: PubMed 10678181 (cited by Women's Health and Genetics/Laboratory Corporation of America, LabCorp); PubMed 23460398 (cited by Women's Health and Genetics/Laboratory Corporation of America, LabCorp); PubMed 29872168 (cited by Women's Health and Genetics/Laboratory Corporation of America, LabCorp); PubMed 27069254 (cited by Women's Health and Genetics/Laboratory Corporation of America, LabCorp); PubMed 33471991 (cited by Women's Health and Genetics/Laboratory Corporation of America, LabCorp); PubMed 25877891 (cited by Women's Health and Genetics/Laboratory Corporation of America, LabCorp); PubMed 30632835 (cited by Women's Health and Genetics/Laboratory Corporation of America, LabCorp).